The following is an entry in ClinVar:

ClinVar aggregate classification (germline): Uncertain significance (1 of 4 stars; one submission).

Conditions:
Familial adenomatous polyposis 1 (FAP1). Also called: FAMILIAL ADENOMATOUS POLYPOSIS 1, ATTENUATED; POLYPOSIS, ADENOMATOUS INTESTINAL. Identifiers: MedGen C2713442, MONDO:0021056, OMIM 175100. Disease mechanism: loss of function.

Submission:

Labcorp Genetics (formerly Invitae), Labcorp
Classification: Uncertain significance for Familial adenomatous polyposis 1. Last evaluated: 2023-11-24. Review status: criteria provided, single submitter. Criteria: Invitae Variant Classification Sherloc (09022015). Collection method: clinical testing. Allele origin: germline.
Comment: This sequence change replaces aspartic acid, which is acidic and polar, with glycine, which is neutral and non-polar, at codon 2087 of the APC protein (p.Asp2087Gly). This variant is not present in population databases (gnomAD no frequency). This variant has not been reported in the literature in individuals affected with APC-related conditions. Advanced modeling of protein sequence and biophysical properties (such as structural, functional, and spatial information, amino acid conservation, physicochemical variation, residue mobility, and thermodynamic stability) performed at Invitae indicates that this missense variant is not expected to disrupt APC protein function with a negative predictive value of 95%. In summary, the available evidence is currently insufficient to determine the role of this variant in disease. Therefore, it has been classified as a Variant of Uncertain Significance.

NM_000038.6(APC):c.6260A>G (p.Asp2087Gly)

Gene: APC (APC regulator of Wnt signaling pathway; plus strand). Cytogenetic location: 5q22.2.
Variant type: single nucleotide variant.
Coding change: c.6260A>G on transcript NM_000038.6 (MANE Select); coding-DNA position 6260, A replaced by G.
Protein change: p.Asp2087Gly; replaces aspartic acid 2087 with glycine.
Molecular consequence: missense variant. On other transcripts: non-coding transcript variant (2).
Genome position (GRCh38, 1-based): chr5:112,841,854, A>G. VCF-style: chr5-112841854-A-G. GRCh37 (hg19) VCF-style: chr5-112177551-A-G.
Other names: c.6260A>G, p.Asp2087Gly (NM_001127510.3, NM_001354895.2, NM_001407450.1); c.6206A>G, p.Asp2069Gly (NM_001127511.3); c.6314A>G, p.Asp2105Gly (NM_001354896.2, NM_001407447.1, NM_001407448.1 and 1 more transcripts); c.6290A>G, p.Asp2097Gly (NM_001354897.2); c.6185A>G, p.Asp2062Gly (NM_001354898.2); c.6176A>G, p.Asp2059Gly (NM_001354899.2); c.6137A>G, p.Asp2046Gly (NM_001354900.2); c.6083A>G, p.Asp2028Gly (NM_001354901.2, NM_001407453.1); and 11 more; short protein forms D1927G, D2028G, D2059G, D2080G, D2087G, D1958G, D1996G, D2004G.
Identifiers: ClinVar variation 2698362 (VCV002698362.3), dbSNP rs2149960886, ClinGen allele CA16035038.